The following is an entry in ClinVar:

ClinVar aggregate classification (germline): Likely pathogenic (1 of 4 stars; one submission).

Conditions:
Becker muscular dystrophy, Cardiomyopathy, Duchenne muscular dystrophy, Dystrophin deficiency.

Submission:

Natera, Inc.
Classification: Likely pathogenic for Becker muscular dystrophy, Cardiomyopathy, Duchenne muscular dystrophy, Dystrophin deficiency. Last evaluated: 2025-04-07. Review status: criteria provided, single submitter. Criteria: Natera Variant Classification Schema (03/2026). Collection method: clinical testing. Allele origin: germline.
Comment: The c.5449-1G>A variant in DMD is a canonical splice acceptor site variant predicted to affect pre-mRNA splicing, which may result in an abnormal transcript and altered protein product. This variant may result in a truncated or dysfunctional protein product. This variant is rare in the general population with a frequency below the threshold expected for the associated phenotype(s). This variant has been observed in affected individual(s) with monoallelic occurrence (heterozygous/hemizygous) (PMID: 15952989). Functional studies show that this variant may disrupt protein function (PMID: 15952989). Given the available evidence, this variant is classified as Likely Pathogenic.

Literature cited by the submitters: PubMed 15952989.

NM_004006.3(DMD):c.5449-1G>A

Gene: DMD (dystrophin; minus strand). Cytogenetic location: Xp21.1.
Variant type: single nucleotide variant.
Coding change: c.5449-1G>A on transcript NM_004006.3 (MANE Select); the canonical splice acceptor site of the intron before coding-DNA position 5449, G replaced by A.
Molecular consequence: splice acceptor variant.
Genome position (GRCh38, 1-based): chrX:32,346,081, C>T on the plus strand (G>A on the coding strand, the complement: DMD is on the minus strand). VCF-style: chrX-32346081-C-T. GRCh37 (hg19) VCF-style: chrX-32364198-C-T.
Other names: c.5425-1G>A (NM_000109.4); c.1426-1G>A (NM_004011.4); c.1417-1G>A (NM_004012.4); c.5437-1G>A (NM_004009.3); c.5080-1G>A (NM_004010.3).
Identifiers: ClinVar variation 4066196 (VCV004066196.2), dbSNP rs2147033447.